The following is an entry in ClinVar:

ClinVar aggregate classification (germline): Uncertain significance (1 of 4 stars; one submission).

Conditions:
Combined immunodeficiency due to ORAI1 deficiency. Also called: IMMUNODEFICIENCY 9. Identifiers: Orphanet 169090, Orphanet 317428, MedGen C2748568, MONDO:0013007, OMIM 612782.
Myopathy, tubular aggregate, 2 (TAM2). Identifiers: MedGen C4014557, MONDO:0014383, OMIM 615883.

Submission:

Labcorp Genetics (formerly Invitae), Labcorp
Classification: Uncertain significance for Myopathy, tubular aggregate, 2; Combined immunodeficiency due to ORAI1 deficiency. Last evaluated: 2024-03-16. Review status: criteria provided, single submitter. Criteria: Invitae Variant Classification Sherloc (09022015). Collection method: clinical testing. Allele origin: germline.
Comment: This sequence change replaces lysine, which is basic and polar, with glutamic acid, which is acidic and polar, at codon 198 of the ORAI1 protein (p.Lys198Glu). This variant is present in population databases (rs781831596, gnomAD 0.009%). This variant has not been reported in the literature in individuals affected with ORAI1-related conditions. Experimental studies and prediction algorithms are not available or were not evaluated, and the functional significance of this variant is currently unknown. In summary, the available evidence is currently insufficient to determine the role of this variant in disease. Therefore, it has been classified as a Variant of Uncertain Significance.

NC_000012.12:g.121641329A>G

Gene: ORAI1 (ORAI calcium release-activated calcium modulator 1; plus strand). Cytogenetic location: 12q24.31.
Variant type: single nucleotide variant.
Molecular consequence: non-coding transcript variant (on NR_186857.1).
Genome position: GRCh38 VCF-style: chr12-121641329-A-G. GRCh37 (hg19) VCF-style: chr12-122079235-A-G.
Identifiers: ClinVar variation 3755324 (VCV003755324.2).